The following is an entry in ClinVar:

ClinVar aggregate classification (germline): Conflicting classifications of pathogenicity. Review status: criteria provided, conflicting classifications (1 of 4 stars). 4 submissions from 4 submitters: Uncertain significance (1); Benign (1); Likely benign (2). Last evaluated 2026-02-01.

Conditions:
Brittle cornea syndrome 2 (BCS2). Identifiers: Orphanet 90354, MedGen C3280011, MONDO:0013605, OMIM 614170.

Allele frequency attached by ClinVar (database versions not stated): 1000 Genomes Project 30x 0.00016; 1000 Genomes Project 0.00020; gnomAD 0.00028 and 0.00037; TOPMed 0.00030; gnomAD exomes 0.00046 and 0.00056; ExAC 0.00067.
gnomAD v4.1: 682 of 1,495,236 alleles (0.046%); highest among the groups gnomAD compares: Middle Eastern, 0.36%; 4 homozygotes.

Submissions (4):

Labcorp Genetics (formerly Invitae), Labcorp
Classification: Benign. Last evaluated: 2026-02-01. Review status: criteria provided, single submitter. Criteria: Invitae Variant Classification Sherloc (09022015). Collection method: clinical testing. Allele origin: germline.

Women's Health and Genetics/Laboratory Corporation of America, LabCorp
Classification: Likely benign. Last evaluated: 2025-04-02. Review status: criteria provided, single submitter. Criteria: LabCorp Variant Classification Summary - May 2015. Collection method: clinical testing. Allele origin: germline.

Illumina Laboratory Services, Illumina
Classification: Uncertain significance for Brittle cornea syndrome 2. Last evaluated: 2018-01-13. Review status: criteria provided, single submitter. Criteria: ICSL Variant Classification Criteria 13 December 2019. Collection method: clinical testing. Allele origin: germline.

GeneDx
Classification: Likely benign. Last evaluated: 2017-09-18. Review status: criteria provided, single submitter. Criteria: GeneDx Variant Classification (06012015). Collection method: clinical testing. Allele origin: germline. Affected: yes.
Comment: This variant is considered likely benign or benign based on one or more of the following criteria: it is a conservative change, it occurs at a poorly conserved position in the protein, it is predicted to be benign by multiple in silico algorithms, and/or has population frequency not consistent with disease.

NM_018699.4(PRDM5):c.1031-15T>C

Gene: PRDM5 (PR/SET domain 5; minus strand). Cytogenetic location: 4q27.
Variant type: single nucleotide variant.
Coding change: c.1031-15T>C on transcript NM_018699.4 (MANE Select); 15 bases into the intron before coding-DNA position 1031, T replaced by C.
Molecular consequence: intron variant. On other transcripts: missense variant (1).
Genome position (GRCh38, 1-based): chr4:120,798,439, A>G on the plus strand (T>C on the coding strand, the complement: PRDM5 is on the minus strand). VCF-style: chr4-120798439-A-G. GRCh37 (hg19) VCF-style: chr4-121719594-A-G.
Other names: c.1049T>C, p.Leu350Pro (NM_001379104.1); c.938-15T>C (NM_001300824.2, NM_001379106.1, NM_001300823.2); short protein forms L350P.
Identifiers: ClinVar variation 512186 (VCV000512186.14), dbSNP rs201474353, ClinGen allele CA3061170.